The following is an entry in ClinVar:

NM_001048174.2(MUTYH):c.549C>T (p.Leu183=)

Gene: MUTYH (mutY DNA glycosylase; minus strand). Cytogenetic location: 1p34.1.
Variant type: single nucleotide variant.
Coding change: c.549C>T on transcript NM_001048174.2 (MANE Select); coding-DNA position 549, C replaced by T.
Protein change: p.Leu183=; no amino-acid change (leucine 183 retained).
Molecular consequence: synonymous variant. On other transcripts: non-coding transcript variant (2).
Genome position (GRCh38, 1-based): chr1:45,332,631, G>A on the plus strand (C>T on the coding strand, the complement: MUTYH is on the minus strand). VCF-style: chr1-45332631-G-A. GRCh37 (hg19) VCF-style: chr1-45798303-G-A.
Other names: c.549C>T, p.Leu183= (NM_001048171.2, NM_001048173.2, NM_001293195.2); c.552C>T, p.Leu184= (NM_001048172.2); c.633C>T, p.Leu211= (NM_001128425.2); c.594C>T, p.Leu198= (NM_001293190.2); c.582C>T, p.Leu194= (NM_001293191.2); c.273C>T, p.Leu91= (NM_001293192.2, NM_001293196.2); c.204C>T, p.Leu68= (NM_001350650.2, NM_001350651.2); c.624C>T, p.Leu208= (NM_012222.3).
Identifiers: ClinVar variation 483895 (VCV000483895.19), dbSNP rs1553128508, ClinGen allele CA417880066.

ClinVar aggregate classification (germline): Likely benign. Review status: criteria provided, multiple submitters, no conflicts (2 of 4 stars). 4 submissions from 4 submitters: Likely benign (4). Last evaluated 2026-01-09.

Conditions:
Hereditary cancer-predisposing syndrome. Also called: Hereditary neoplastic syndrome; Hereditary Cancer Syndrome; Neoplastic Syndromes, Hereditary; Tumor predisposition. Identifiers: Orphanet 140162, MedGen C0027672, MeSH D009386, MONDO:0015356.
Familial adenomatous polyposis 2. Also called: MYH-associated polyposis; COLORECTAL ADENOMATOUS POLYPOSIS, AUTOSOMAL RECESSIVE; ADENOMAS, MULTIPLE COLORECTAL, AUTOSOMAL RECESSIVE; MUTYH-related attenuated familial adenomatous polyposis; Adenomas, multiple colorectal; FAP type 2. Identifiers: Orphanet 220460, Orphanet 247798, MedGen C3272841, MONDO:0012041, OMIM 608456.

Allele frequency attached by ClinVar (database versions not stated): gnomAD exomes below 0.00001.

Submissions (4):

Labcorp Genetics (formerly Invitae), Labcorp
Classification: Likely benign for Familial adenomatous polyposis 2. Last evaluated: 2026-01-09. Review status: criteria provided, single submitter. Criteria: Invitae Variant Classification Sherloc (09022015). Collection method: clinical testing. Allele origin: germline.

All of Us Research Program, National Institutes of Health
Classification: Likely benign for Familial adenomatous polyposis 2. Last evaluated: 2024-03-05. Review status: criteria provided, single submitter. Criteria: ACMG Guidelines, 2015. Collection method: clinical testing. Allele origin: germline. Inheritance: Autosomal recessive inheritance. Observed: 1 variant allele, 1 heterozygote.
Comment: This study involves interpretation of variants in research participants for the purpose of population health screening. Participant phenotype was not available at the time of variant classification. Additional details can be found in publication PMID: 35346344, PMCID: PMC8962531

Color Diagnostics, LLC DBA Color Health
Classification: Likely benign for Hereditary cancer-predisposing syndrome. Last evaluated: 2019-09-03. Review status: criteria provided, single submitter. Criteria: ACMG Guidelines, 2015. Collection method: clinical testing. Allele origin: germline.

Ambry Genetics
Classification: Likely benign for Hereditary cancer-predisposing syndrome. Last evaluated: 2015-05-19. Review status: criteria provided, single submitter. Criteria: Ambry Variant Classification Scheme 2023. Collection method: clinical testing. Allele origin: germline.